The following is an entry in ClinVar:

ClinVar aggregate classification (germline): Uncertain significance (1 of 4 stars; one submission).

Submission:

GeneDx
Classification: Uncertain significance. Last evaluated: 2024-12-19. Review status: criteria provided, single submitter. Criteria: GeneDx Variant Classification Process June 2021. Collection method: clinical testing. Allele origin: germline. Affected: yes.
Comment: Not observed at significant frequency in large population cohorts (gnomAD); In silico analysis indicates that this missense variant does not alter protein structure/function; In silico analysis suggests this variant may impact gene splicing. In the absence of RNA/functional studies, the actual effect of this sequence change is unknown.; Has not been previously published as pathogenic or benign to our knowledge

NM_012281.3(KCND2):c.1780A>T (p.Thr594Ser)

Gene: KCND2 (potassium voltage-gated channel subfamily D member 2; plus strand). Cytogenetic location: 7q31.31.
Variant type: single nucleotide variant.
Coding change: c.1780A>T on transcript NM_012281.3 (MANE Select); coding-DNA position 1780, A replaced by T.
Protein change: p.Thr594Ser; replaces threonine 594 with serine.
Molecular consequence: missense variant.
Genome position (GRCh38, 1-based): chr7:120,747,745, A>T. VCF-style: chr7-120747745-A-T. GRCh37 (hg19) VCF-style: chr7-120387799-A-T.
Other names: short protein forms T594S.
Identifiers: ClinVar variation 3907801 (VCV003907801.1).